The following is an entry in ClinVar:

ClinVar aggregate classification (germline): Pathogenic/Likely pathogenic. Review status: criteria provided, multiple submitters, no conflicts (2 of 4 stars). 3 submissions from 3 submitters: Pathogenic (1); Likely pathogenic (2). Last evaluated 2024-03-04.

Conditions:
Glucose-6-phosphate transport defect (GSD1B). Also called: GSD Ib; Glycogen Storage Disease Type Ib. Identifiers: Orphanet 364, Orphanet 79259, MedGen C0268146, MONDO:0009288, OMIM 232220.

Submissions (3):

Natera, Inc.
Classification: Likely pathogenic for Glycogen storage disease type Ib. Last evaluated: 2024-03-04. Review status: criteria provided, single submitter. Criteria: Natera Variant Classification Schema (03/2026). Collection method: clinical testing. Allele origin: germline.
Comment: The c.529_533delGTGGT variant in SLC37A4 is a frameshift variant predicted to shift the reading frame beginning at codon 177 and leads to a stop codon 12 codons downstream. This variant is expected to result in nonsense mediated decay, truncation, or a dysfunctional protein product. This variant is rare in the general population with a frequency below the threshold expected for the associated phenotype(s). Given the available evidence, this variant is classified as Likely Pathogenic.

Baylor Genetics
Classification: Likely pathogenic for Glucose-6-phosphate transport defect. Last evaluated: 2024-01-19. Review status: criteria provided, single submitter. Criteria: ACMG Guidelines, 2015. Collection method: clinical testing. Allele origin: unknown.

Labcorp Genetics (formerly Invitae), Labcorp
Classification: Pathogenic for Glucose-6-phosphate transport defect. Last evaluated: 2019-10-28. Review status: criteria provided, single submitter. Criteria: Invitae Variant Classification Sherloc (09022015). Collection method: clinical testing. Allele origin: germline.
Comment: This sequence change creates a premature translational stop signal (p.Val177Cysfs*12) in the SLC37A4 gene. It is expected to result in an absent or disrupted protein product. The frequency data for this variant in the population databases is considered unreliable, as metrics indicate insufficient coverage at this position in the ExAC database. This variant has not been reported in the literature in individuals with SLC37A4-related conditions. Loss-of-function variants in SLC37A4 are known to be pathogenic (PMID: 9758626, 10940311). For these reasons, this variant has been classified as Pathogenic.

NM_001164277.1(SLC37A4):c.529_533del

Gene: SLC37A4 (solute carrier family 37 member 4; minus strand). Cytogenetic location: 11q23.3.
Variant type: Deletion.
Coding change: c.529_533del on transcript NM_001164277.1; coding-DNA positions 529 to 533, 5 bases deleted.
Molecular consequence: frameshift variant.
Other names: c.310_314del, p.Val104fs (NM_001164279.2); c.529_533del, p.Val177fs (NM_001164280.2, NM_001467.6, NM_001164277.2 and 1 more transcripts); c.527_531delGTGTG, p.Val177Cysfs (NM_001164277.1); c.529_533delGTGGT (NM_001164277.1); short protein forms V104fs, V177fs.
Identifiers: ClinVar variation 953966 (VCV000953966.2), dbSNP rs2089891548, ClinGen allele CA672395433.